The following is an entry in ClinVar:

NM_004628.5(XPC):c.1103_1104del (p.Gln368fs)

Gene: XPC (XPC complex subunit, DNA damage recognition and repair factor; minus strand). Cytogenetic location: 3p25.1.
Variant type: Deletion.
Coding change: c.1103_1104del on transcript NM_004628.5 (MANE Select); coding-DNA positions 1103 to 1104, 2 bases deleted (AA; older notation c.1103_1104delAA).
Protein change: p.Gln368fs; shifts the reading frame from glutamine 368.
Molecular consequence: frameshift variant. On other transcripts: non-coding transcript variant (2).
Genome position (GRCh38, 1-based): chr3:14,158,779-14,158,780, TT deleted on the plus strand (AA on the coding strand, the reverse complement: XPC is on the minus strand). VCF-style (leftmost placement, unchanged base first): chr3-14158778-CTT-C. GRCh37 (hg19) VCF-style: chr3-14200278-CTT-C.
Other names: c.1103_1104delAA (NM_004628.4); c.524_525del, p.Gln175fs (NM_001354726.2); c.1103_1104del, p.Gln368fs (NM_001354727.2, NM_001354730.2); c.1085_1086del, p.Gln362fs (NM_001354729.2); short protein forms Q362fs, Q175fs, Q368fs.
Identifiers: ClinVar variation 267279 (VCV000267279.16), dbSNP rs1450238352, ClinGen allele CA541676547.
Genomic context (GRCh38, chr3:14,158,778, plus strand): 5'-CTCCCTTGTTCCTCTTCCCTTTGGCACTTGGCCTGCAGGTGCCCTTAGCAAAGGTTTCCT[CTT>C]GTTTGGTTCCTTTGCTGGTCTTTGGTTTGGTGTGGTTTTCTAGAACTTGGCTGGAAGTTT-3'

ClinVar aggregate classification (germline): Pathogenic. Review status: criteria provided, multiple submitters, no conflicts (2 of 4 stars). 8 submissions from 8 submitters: Pathogenic (7). 1 of the submissions does not count toward it. Last evaluated 2025-07-25.

Conditions:
Xeroderma pigmentosum (XP). Identifiers: Orphanet 910, MedGen C0043346, MONDO:0019600.
Familial prostate cancer. Also called: Hereditary Prostate Cancer. Identifiers: MedGen C2931456, MONDO:0700275, OMIM 176807.
Xeroderma pigmentosum, group C (XPC). Also called: XPC-Related Xeroderma Pigmentosum; XERODERMA PIGMENTOSUM III; XP, GROUP C; Xeroderma pigmentosum, complementation group C. Identifiers: Orphanet 910, MedGen C2752147, MONDO:0010211, OMIM 278720.

Allele frequency attached by ClinVar (database versions not stated): gnomAD exomes below 0.00001; gnomAD 0.00002; TOPMed 0.00001.

Submissions (8):

Cancer Genetics Lab, Istanbul University Institute of Oncology
Classification: Pathogenic for Familial prostate cancer. Last evaluated: 2025-07-25. Review status: criteria provided, single submitter. Criteria: ACMG Guidelines, 2015. Collection method: clinical testing. Allele origin: germline. Inheritance: Autosomal dominant inheritance. Affected: yes. Observed: 1 heterozygote.
Comment: Genetic testing using a comprehensive NGS panel revealed this rare frameshift variant, classified as pathogenic in multiple databases (ClinVar, HGMD, VarSome). All six individuals in this family were affected by cancer. Given the rarity of the variant (allele frequency 0.0000041 in gnomAD) and its consistent classification as pathogenic, this case underscores the potential role of monoallelic XPC mutations in hereditary cancer syndromes beyond classical Xeroderma Pigmentosum phenotypes.

Baylor Genetics
Classification: Pathogenic for Xeroderma pigmentosum, group C. Last evaluated: 2023-11-15. Review status: criteria provided, single submitter. Criteria: ACMG Guidelines, 2015. Collection method: clinical testing. Allele origin: unknown.

Neuberg Centre For Genomic Medicine, NCGM
Classification: Pathogenic for Xeroderma pigmentosum, group C. Last evaluated: 2023-05-20. Review status: criteria provided, single submitter. Criteria: ACMG Guidelines, 2015. Collection method: clinical testing. Allele origin: germline. Inheritance: Autosomal recessive inheritance. Affected: yes.
Comment: The observed frameshift c.1103_1104del (p.Gln368ArgfsTer6) variant in XPC gene has been previously reported in both homozygous and compound heterozygous states in individuals affected with xeroderma pigmentosum (Chavanne et al., 2000; Khan et al., 2006). Experimental evidence suggests this variant to affect XPC function (Khan et al., 2006). The p.Gln368ArgfsTer6 variant is absent in gnomAD Exomes. This variant has been submitted to the ClinVar database as Pathogenic. This variant causes a frameshift starting with codon Glutamine 368, changes this amino acid to Arginine residue, and creates a premature Stop codon at position 6 of the new reading frame, denoted p.Gln368ArgfsTer6. This variant is predicted to cause loss of normal protein function through protein truncation. Loss of function variants have been previously reported to be disease causing. For these reasons, this variant has been classified as Pathogenic.

Labcorp Genetics (formerly Invitae), Labcorp
Classification: Pathogenic. Last evaluated: 2023-03-19. Review status: criteria provided, single submitter. Criteria: Invitae Variant Classification Sherloc (09022015). Collection method: clinical testing. Allele origin: germline.
Comment: This sequence change creates a premature translational stop signal (p.Gln368Argfs*6) in the XPC gene. It is expected to result in an absent or disrupted protein product. Loss-of-function variants in XPC are known to be pathogenic (PMID: 23173980, 25256075). This variant is present in population databases (no rsID available, gnomAD 0.01%). This premature translational stop signal has been observed in individual(s) with xeroderma pigmentosum (PMID: 10766188). ClinVar contains an entry for this variant (Variation ID: 267279). For these reasons, this variant has been classified as Pathogenic.

Fulgent Genetics
Classification: Pathogenic for Xeroderma pigmentosum, group C. Last evaluated: 2021-07-02. Review status: criteria provided, single submitter. Criteria: ACMG Guidelines, 2015. Collection method: clinical testing. Allele origin: unknown.

Women's Health and Genetics/Laboratory Corporation of America, LabCorp
Classification: Pathogenic for Xeroderma pigmentosum. Last evaluated: 2019-01-24. Review status: criteria provided, single submitter. Criteria: LabCorp Variant Classification Summary - May 2015. Collection method: clinical testing. Allele origin: germline.
Comment: Variant summary: XPC c.1103_1104delAA (p.Gln368ArgfsX6) results in a premature termination codon, predicted to cause a truncation of the encoded protein or absence of the protein due to nonsense mediated decay, which are commonly known mechanisms for disease. The variant allele was found at a frequency of 6.5e-05 in 30946 control chromosomes (gnomAD). c.1103_1104delAA has been reported in the literature in multiple compound heterozygous and homozygous individuals affected with Xeroderma Pigmentosum (Chavanne 2000, Khan 2006, Schubert 2016). These data indicate that the variant is very likely to be associated with disease. These publications also reported experimental evidence evaluating an impact on protein function, demonstrating strongly decreased mRNA levels, absence of the protein and deficient repair synthesis and/or cell survival after UV-irradiation. The most pronounced variant effect results in <10% of normal activity. A ClinVar submission from a clinical diagnostic laboratory (evaluation after 2014) cites the variant as pathogenic. Based on the evidence outlined above, the variant was classified as pathogenic.

Medical Molecular Genetics Department, National Research Center
Classification: Pathogenic for Xeroderma pigmentosum, group C. Last evaluated: 2015-12-01. Review status: criteria provided, single submitter. Criteria: ACMG Guidelines, 2015. Collection method: research. Allele origin: germline. Inheritance: Autosomal recessive inheritance. Affected: yes. Observed: 2 compound heterozygotes. Segregation with disease observed.

Counsyl
Classification: Pathogenic for Xeroderma pigmentosum, group C. Last evaluated: 2018-01-05. Review status: no assertion criteria provided. Collection method: clinical testing. Allele origin: unknown. Not counted in ClinVar's aggregate classification.

Literature cited by the submitters: PubMed 23173980 (cited by Labcorp Genetics (formerly Invitae), Labcorp); PubMed 25256075 (cited by Labcorp Genetics (formerly Invitae), Labcorp); PubMed 10766188 (cited by 3 submitters); PubMed 16081512 (cited by Women's Health and Genetics/Laboratory Corporation of America, LabCorp); PubMed 27387384 (cited by Women's Health and Genetics/Laboratory Corporation of America, LabCorp and Counsyl).